The following is an entry in ClinVar:

ClinVar aggregate classification (germline): Likely pathogenic (1 of 4 stars; one submission).

Allele frequency attached by ClinVar (database versions not stated): TOPMed below 0.00001; ExAC 0.00001; gnomAD exomes 0.00001.
gnomAD v4.1: 3 of 1,610,678 alleles (0.00019%); highest among the groups gnomAD compares: Admixed American, 0.0033%; no homozygotes.

Submission:

GeneDx
Classification: Likely pathogenic. Last evaluated: 2016-08-31. Review status: criteria provided, single submitter. Criteria: GeneDx Variant Classification (06012015). Collection method: clinical testing. Allele origin: germline. Affected: yes.
Comment: The c.5154-1G>A variant in the SLX4 gene has not been reported previously as a pathogenic variant nor as a benign variant, to our knowledge. This splice site variant destroys the canonical splice acceptor site in intron 14. It is predicted to cause abnormal gene splicing, either leading to an abnormal message that is subject to nonsense-mediated mRNA decay, or to an abnormal protein product if the message is used for protein translation. The c.5154-1G>A variant was not observed in approximately 6,500 individuals of European and African American ancestry in the NHLBI Exome Sequencing Project, indicating it is not a common benign variant in these populations. We interpret c.5154-1G>A as a likely pathogenic variant.

NM_032444.4(SLX4):c.5154-1G>A

Gene: SLX4 (SLX4 structure-specific endonuclease subunit; minus strand). Cytogenetic location: 16p13.3.
Variant type: single nucleotide variant.
Coding change: c.5154-1G>A on transcript NM_032444.4 (MANE Select); the canonical splice acceptor site of the intron before coding-DNA position 5154, G replaced by A.
Molecular consequence: splice acceptor variant.
Genome position (GRCh38, 1-based): chr16:3,582,694, C>T on the plus strand (G>A on the coding strand, the complement: SLX4 is on the minus strand). VCF-style: chr16-3582694-C-T. GRCh37 (hg19) VCF-style: chr16-3632695-C-T.
Identifiers: ClinVar variation 422086 (VCV000422086.2), dbSNP rs761665399, ClinGen allele CA7865388.